The following is an entry in ClinVar:

ClinVar aggregate classification (germline): Benign (1 of 4 stars; one submission).

Conditions:
Paroxysmal nonkinesigenic dyskinesia 1 (PNKD1). Also called: Nonkinesigenic choreoathetosis; Familial paroxysmal choreoathetosis; DYSTONIA 8; Familial Paroxysmal Nonkinesigenic Dyskinesia; MOUNT-REBACK SYNDROME; PxMD-PNKD. Identifiers: Orphanet 98810, MedGen C4551506, MONDO:0700089, OMIM 118800, MONDO:0007326.

Allele frequency attached by ClinVar (database versions not stated): 1000 Genomes Project 30x 0.00047; 1000 Genomes Project 0.00060; gnomAD exomes 0.00145; gnomAD 0.00214 and 0.00217; TOPMed 0.00219.
gnomAD v4.1: 327 of 153,056 alleles (0.21%); highest among the groups gnomAD compares: Middle Eastern, 1.4%; no homozygotes.

Submission:

Illumina Laboratory Services, Illumina
Classification: Benign for Paroxysmal nonkinesigenic dyskinesia 1. Last evaluated: 2018-01-13. Review status: criteria provided, single submitter. Criteria: ICSL Variant Classification Criteria 13 December 2019. Collection method: clinical testing. Allele origin: germline.
Comment: This variant was observed in the ICSL laboratory as part of a predisposition screen in an ostensibly healthy population. It had not been previously curated by ICSL or reported in the Human Gene Mutation Database (HGMD: prior to June 1st, 2018), and was therefore a candidate for classification through an automated scoring system. Utilizing variant allele frequency, disease prevalence and penetrance estimates, and inheritance mode, an automated score was calculated to assess if this variant is too frequent to cause the disease. Based on the score and internal cut-off values, a variant classified as benign is not then subjected to further curation. The score for this variant resulted in a classification of benign for this disease.

NM_015488.5(PNKD):c.*607T>C

Genes: PNKD (PNKD metallo-beta-lactamase domain containing; plus strand), CATIP-AS2 (CATIP antisense RNA 2; minus strand). Cytogenetic location: 2q35.
Variant type: single nucleotide variant.
Coding change: c.*607T>C on transcript NM_015488.5 (MANE Select); 607 bases downstream of the stop codon, T replaced by C.
Molecular consequence: 3 prime UTR variant.
Genome position (GRCh38, 1-based): chr2:218,345,588, T>C. VCF-style: chr2-218345588-T-C. GRCh37 (hg19) VCF-style: chr2-219210311-T-C.
Other names: c.*607T>C (NM_022572.5).
Identifiers: ClinVar variation 334338 (VCV000334338.5), dbSNP rs141201996, ClinGen allele CA10612438.